The following is an entry in ClinVar:

NM_018180.3(DHX32):c.631C>G (p.Leu211Val)

Gene: DHX32 (DEAH-box helicase 32 (putative); minus strand). Cytogenetic location: 10q26.2.
Variant type: single nucleotide variant.
Coding change: c.631C>G on transcript NM_018180.3 (MANE Select); coding-DNA position 631, C replaced by G.
Protein change: p.Leu211Val; replaces leucine 211 with valine.
Molecular consequence: missense variant.
Genome position (GRCh38, 1-based): chr10:125,859,821, G>C on the plus strand (C>G on the coding strand, the complement: DHX32 is on the minus strand). VCF-style: chr10-125859821-G-C. GRCh37 (hg19) VCF-style: chr10-127548390-G-C.
Other names: short protein forms L211V.
Identifiers: ClinVar variation 2082226 (VCV002082226.4), dbSNP rs773742344, ClinGen allele CA378678740.
Genomic context (GRCh38, chr10:125,859,821, plus strand): 5'-TTCCATAATAAGAATTGAGTTTGCTGATCAGGTGAGGTGAGGAGTTAATTATGAGCTTCA[G>C]TTCTGGTCTTGCTAGTAAAACATCTTTAAGAAGTCCAAGTAACACATCAGTTGCAATGCT-3'
Protein context (NP_060650.2, residues 201-221): LKDVLLARPE[Leu211Val]KLIINSSPHL

ClinVar aggregate classification (germline): Uncertain significance (1 of 4 stars; one submission).

gnomAD v4.1: 1 of 1,614,096 alleles (0.000062%); no homozygotes.

Submission:

Labcorp Genetics (formerly Invitae), Labcorp
Classification: Uncertain significance. Last evaluated: 2023-10-13. Review status: criteria provided, single submitter. Criteria: Invitae Variant Classification Sherloc (09022015). Collection method: clinical testing. Allele origin: germline.
Comment: This sequence change replaces leucine, which is neutral and non-polar, with valine, which is neutral and non-polar, at codon 211 of the DHX32 protein (p.Leu211Val). This variant is not present in population databases (gnomAD no frequency). This variant has not been reported in the literature in individuals affected with DHX32-related conditions. ClinVar contains an entry for this variant (Variation ID: 2082226). An algorithm developed to predict the effect of missense changes on protein structure and function (PolyPhen-2) suggests that this variant is likely to be disruptive. In summary, the available evidence is currently insufficient to determine the role of this variant in disease. Therefore, it has been classified as a Variant of Uncertain Significance.